The following is an entry in ClinVar:

NM_001104631.2(PDE4D):c.*1938C>T

Gene: PDE4D (phosphodiesterase 4D; minus strand). Cytogenetic location: 5q11.2.
Variant type: single nucleotide variant.
Coding change: c.*1938C>T on transcript NM_001104631.2 (MANE Select); 1938 bases downstream of the stop codon, C replaced by T.
Molecular consequence: 3 prime UTR variant.
Genome position (GRCh38, 1-based): chr5:58,972,726, G>A on the plus strand (C>T on the coding strand, the complement: PDE4D is on the minus strand). VCF-style: chr5-58972726-G-A. GRCh37 (hg19) VCF-style: chr5-58268553-G-A.
Other names: c.*1938C>T (NM_001165899.2, NM_001197218.2, NM_001197219.2 and 11 more transcripts).
Identifiers: ClinVar variation 353954 (VCV000353954.6), dbSNP rs10940636, ClinGen allele CA10622038.

ClinVar aggregate classification (germline): Benign. Review status: criteria provided, multiple submitters, no conflicts (2 of 4 stars). 2 submissions from 2 submitters: Benign (2). Last evaluated 2018-01-12.

Conditions:
Acrodysostosis 2 with or without hormone resistance. Also called: ACRODYSOSTOSIS 2 WITH HORMONE RESISTANCE; ACRODYSOSTOSIS 2 WITHOUT HORMONE RESISTANCE. Identifiers: Orphanet 280651, MedGen C3553250, MONDO:0013822, OMIM 614613.

Allele frequency attached by ClinVar (database versions not stated): TOPMed 0.15633; gnomAD 0.16145; 1000 Genomes Project 0.16274; 1000 Genomes Project 30x 0.16693.

Submissions (2):

Illumina Laboratory Services, Illumina
Classification: Benign for Acrodysostosis 2 with or without hormone resistance. Last evaluated: 2018-01-12. Review status: criteria provided, single submitter. Criteria: ICSL Variant Classification Criteria 13 December 2019. Collection method: clinical testing. Allele origin: germline.
Comment: This variant was observed in the ICSL laboratory as part of a predisposition screen in an ostensibly healthy population. It had not been previously curated by ICSL or reported in the Human Gene Mutation Database (HGMD: prior to June 1st, 2018), and was therefore a candidate for classification through an automated scoring system. Utilizing variant allele frequency, disease prevalence and penetrance estimates, and inheritance mode, an automated score was calculated to assess if this variant is too frequent to cause the disease. Based on the score and internal cut-off values, a variant classified as benign is not then subjected to further curation. The score for this variant resulted in a classification of benign for this disease.

Breakthrough Genomics
Classification: Benign. Review status: criteria provided, single submitter. Criteria: ACMG Guidelines, 2015. Collection method: not provided. Allele origin: germline. Inheritance: Autosomal dominant inheritance. Affected: yes.